The following is an entry in ClinVar:

ClinVar aggregate classification (germline): Uncertain significance (1 of 4 stars; one submission).

Conditions:
Inborn genetic diseases. Identifiers: MedGen C0950123, MeSH D030342.

gnomAD v4.1: 6 of 1,612,546 alleles (0.00037%); highest among the groups gnomAD compares: South Asian, 0.0066%; no homozygotes.

Submission:

Ambry Genetics
Classification: Uncertain significance for Inborn genetic diseases. Last evaluated: 2026-06-29. Review status: criteria provided, single submitter. Criteria: Ambry Variant Classification Scheme 2023. Collection method: clinical testing. Allele origin: germline.
Comment: The c.1411A>G (p.M471V) alteration is located in exon 13 (coding exon 13) of the ANKRD26 gene. This alteration results from a A to G substitution at nucleotide position 1411, causing the methionine (M) at amino acid position 471 to be replaced by a valine (V). Based on data from gnomAD, the G allele has an overall frequency of 0.002% (5/249304) total alleles studied. The highest observed frequency was 0.016% (5/30586) of South Asian alleles. Based on insufficient or conflicting evidence, the clinical significance of this alteration remains unclear.

NM_014915.3(ANKRD26):c.1411A>G (p.Met471Val)

Gene: ANKRD26 (ankyrin repeat domain 26; minus strand). Cytogenetic location: 10p12.1.
Variant type: single nucleotide variant.
Coding change: c.1411A>G on transcript NM_014915.3 (MANE Select); coding-DNA position 1411, A replaced by G.
Protein change: p.Met471Val; replaces methionine 471 with valine.
Molecular consequence: missense variant.
Genome position (GRCh38, 1-based): chr10:27,061,195, T>C on the plus strand (A>G on the coding strand, the complement: ANKRD26 is on the minus strand). VCF-style: chr10-27061195-T-C. GRCh37 (hg19) VCF-style: chr10-27350124-T-C.
Other names: c.1411A>G, p.Met471Val (NM_001256053.2); short protein forms M471V.
Identifiers: ClinVar variation 4104080 (VCV004104080.2).